The following is an entry in ClinVar:

ClinVar aggregate classification (germline): Conflicting classifications of pathogenicity. Review status: criteria provided, conflicting classifications (1 of 4 stars). 2 submissions from 2 submitters: Uncertain significance (1); Likely benign (1). Last evaluated 2025-06-03.

Conditions:
Inborn genetic diseases. Identifiers: MedGen C0950123, MeSH D030342.
Genitopatellar syndrome (GTPTS). Also called: Genitopatellar syndrome (GPS); ABSENT PATELLAE, SCROTAL HYPOPLASIA, RENAL ANOMALIES, FACIAL DYSMORPHISM, AND MENTAL RETARDATION. Identifiers: Orphanet 85201, MedGen C1853566, MONDO:0011640, OMIM 606170.

Allele frequency attached by ClinVar (database versions not stated): gnomAD 0.00001; TOPMed 0.00004; gnomAD exomes 0.00008.
gnomAD v4.1: 114 of 1,613,724 alleles (0.0071%); highest among the groups gnomAD compares: Non-Finnish European, 0.0092%; no homozygotes.

Submissions (2):

Labcorp Genetics (formerly Invitae), Labcorp
Classification: Uncertain significance for Genitopatellar syndrome. Last evaluated: 2025-06-03. Review status: criteria provided, single submitter. Criteria: Invitae Variant Classification Sherloc (09022015). Collection method: clinical testing. Allele origin: germline.
Comment: This sequence change replaces glutamic acid, which is acidic and polar, with lysine, which is basic and polar, at codon 701 of the KAT6B protein (p.Glu701Lys). This variant is present in population databases (no rsID available, gnomAD 0.007%). This variant has not been reported in the literature in individuals affected with KAT6B-related conditions. ClinVar contains an entry for this variant (Variation ID: 2862031). Invitae Evidence Modeling of protein sequence and biophysical properties (such as structural, functional, and spatial information, amino acid conservation, physicochemical variation, residue mobility, and thermodynamic stability) indicates that this missense variant is not expected to disrupt KAT6B protein function with a negative predictive value of 80%. In summary, the available evidence is currently insufficient to determine the role of this variant in disease. Therefore, it has been classified as a Variant of Uncertain Significance.

Ambry Genetics
Classification: Likely benign for Inborn genetic diseases. Last evaluated: 2025-03-03. Review status: criteria provided, single submitter. Criteria: Ambry Variant Classification Scheme 2023. Collection method: clinical testing. Allele origin: germline.

NM_012330.4(KAT6B):c.2101G>A (p.Glu701Lys)

Gene: KAT6B (lysine acetyltransferase 6B; plus strand). Cytogenetic location: 10q22.2.
Variant type: single nucleotide variant.
Coding change: c.2101G>A on transcript NM_012330.4 (MANE Select); coding-DNA position 2101, G replaced by A.
Protein change: p.Glu701Lys; replaces glutamic acid 701 with lysine.
Molecular consequence: missense variant. On other transcripts: intron variant (3).
Genome position (GRCh38, 1-based): chr10:74,977,423, G>A. VCF-style: chr10-74977423-G-A. GRCh37 (hg19) VCF-style: chr10-76737181-G-A.
Other names: c.1552G>A, p.Glu518Lys (NM_001256468.2, NM_001370138.1); c.1225G>A, p.Glu409Lys (NM_001256469.2, NM_001370132.1, NM_001370139.1 and 3 more transcripts); c.2101G>A, p.Glu701Lys (NM_001370136.1, NM_001370137.1); c.1036G>A, p.Glu346Lys (NM_001370143.1, NM_001370144.1); c.846+7648G>A (NM_001370133.1); c.193-1801G>A (NM_001370134.1); c.193-11596G>A (NM_001370135.1); c.2101G>A (NM_012330.2); short protein forms E346K, E409K, E701K, E518K.
Identifiers: ClinVar variation 2862031 (VCV002862031.4), dbSNP rs1274585455, ClinGen allele CA377290582.